The following is an entry in ClinVar:

NM_001693.4(ATP6V1B2):c.19C>A (p.Arg7=)

Genes: ATP6V1B2 (ATPase H+ transporting V1 subunit B2; plus strand), LOC129999955 (ATAC-STARR-seq lymphoblastoid silent region 18971; plus strand). Cytogenetic location: 8p21.3.
Variant type: single nucleotide variant.
Coding change: c.19C>A on transcript NM_001693.4 (MANE Select); coding-DNA position 19, C replaced by A.
Protein change: p.Arg7=; no amino-acid change (arginine 7 retained).
Molecular consequence: synonymous variant.
Genome position (GRCh38, 1-based): chr8:20,197,425, C>A. VCF-style: chr8-20197425-C-A. GRCh37 (hg19) VCF-style: chr8-20054936-C-A.
Identifiers: ClinVar variation 4848250 (VCV004848250.1).

ClinVar aggregate classification (germline): Likely benign (1 of 4 stars; one submission).

gnomAD v4.1: 16 of 1,542,198 alleles (0.001%); highest among the groups gnomAD compares: East Asian, 0.024%; no homozygotes.

Submission:

Women's Health and Genetics/Laboratory Corporation of America, LabCorp
Classification: Likely benign. Last evaluated: 2026-02-18. Review status: criteria provided, single submitter. Criteria: LabCorp Variant Classification Summary - May 2015. Collection method: clinical testing. Allele origin: germline.
Comment: Variant summary: ATP6V1B2 c.19C>A alters a conserved nucleotide resulting in a synonymous change. Consensus agreement among computation tools predict no significant impact on normal splicing. However, these predictions have yet to be confirmed by functional studies. The variant allele was found at a frequency of 1.2e-05 in 169252 control chromosomes. The available data on variant occurrences in the general population are insufficient to allow any conclusion about variant significance. To our knowledge, no occurrence of c.19C>A in individuals affected with ATP6V1B2-related conditions and no experimental evidence demonstrating its impact on protein function have been reported. No submitters have cited clinical-significance assessments for this variant to ClinVar. Based on the evidence outlined above, the variant was classified as likely benign.